The following is an entry in ClinVar:

NM_000195.5(HPS1):c.937+102G>A

Gene: HPS1 (HPS1 biogenesis of lysosomal organelles complex 3 subunit 1; minus strand). Cytogenetic location: 10q24.2.
Variant type: single nucleotide variant.
Coding change: c.937+102G>A on transcript NM_000195.5 (MANE Select); 102 bases into the intron after coding-DNA position 937, G replaced by A.
Molecular consequence: intron variant. On other transcripts: synonymous variant (2), 3 prime UTR variant (2).
Genome position (GRCh38, 1-based): chr10:98,429,471, C>T on the plus strand (G>A on the coding strand, the complement: HPS1 is on the minus strand). VCF-style: chr10-98429471-C-T. GRCh37 (hg19) VCF-style: chr10-100189228-C-T.
Other names: c.921G>A, p.Lys307= (NM_001322490.2); c.*64G>A (NM_001322491.2, NM_182639.4); c.822G>A, p.Lys274= (NM_001322492.2); c.568+102G>A (NM_001322483.2, NM_001322484.2); c.676+102G>A (NM_001322480.2, NM_001322481.2); c.838+102G>A (NM_001322478.2, NM_001322479.2); c.937+102G>A (NM_001322476.2, NM_001322477.2); c.469+102G>A (NM_001322485.2); and 2 more.
Identifiers: ClinVar variation 4979158 (VCV004979158.1).

ClinVar aggregate classification (germline): Likely benign (1 of 4 stars; one submission).

Conditions:
HPS1-related disorder. Also called: HPS1-related condition.

gnomAD v4.1: 81 of 1,597,992 alleles (0.0051%); highest among the groups gnomAD compares: East Asian, 0.14%; no homozygotes.

Submission:

PreventionGenetics, part of Exact Sciences
Classification: Likely benign for HPS1-related condition. Last evaluated: 2025-07-03. Review status: criteria provided, single submitter. Criteria: ACMG Guidelines, 2015. Collection method: clinical testing. Allele origin: germline.
Comment: This variant is classified as likely benign based on ACMG/AMP sequence variant interpretation guidelines (Richards et al. 2015 PMID: 25741868, with internal and published modifications).